The following is an entry in ClinVar:

ClinVar aggregate classification (germline): Uncertain significance (1 of 4 stars; one submission).

Conditions:
KBG syndrome (KBGS). Also called: ANKRD11-Related KBG Syndrome. Identifiers: Orphanet 2332, MedGen C0220687, MONDO:0007846, OMIM 148050.

Submission:

Labcorp Genetics (formerly Invitae), Labcorp
Classification: Uncertain significance for KBG syndrome. Last evaluated: 2023-07-31. Review status: criteria provided, single submitter. Criteria: Invitae Variant Classification Sherloc (09022015). Collection method: clinical testing. Allele origin: germline.
Comment: This variant is not present in population databases (gnomAD no frequency). This variant, c.2266_2268del, results in the deletion of 1 amino acid(s) of the ANKRD11 protein (p.Glu756del), but otherwise preserves the integrity of the reading frame. This variant has not been reported in the literature in individuals affected with ANKRD11-related conditions. Experimental studies and prediction algorithms are not available or were not evaluated, and the functional significance of this variant is currently unknown. In summary, the available evidence is currently insufficient to determine the role of this variant in disease. Therefore, it has been classified as a Variant of Uncertain Significance.

NM_013275.6(ANKRD11):c.2263GAA[1] (p.Glu756del)

Gene: ANKRD11 (ankyrin repeat domain 11; minus strand). Cytogenetic location: 16q24.3.
Variant type: Microsatellite.
Coding change: c.2263GAA[1] on transcript NM_013275.6 (MANE Select); one copy of the 3-base unit GAA starting at c.2263; the reference has two copies in a row; one copy, 3 bases deleted.
Protein change: p.Glu756del; deletes glutamic acid 756.
Molecular consequence: inframe deletion.
Genome position (GRCh38, 1-based): chr16:89,284,274-89,284,276, TTC deleted on the plus strand (GAA on the coding strand, the reverse complement: ANKRD11 is on the minus strand); deleting any 3 consecutive bases within chr16:89,284,274-89,284,281 gives the same sequence; the position shown is the placement nearest the transcript's 3' end. VCF-style (leftmost placement, unchanged base first): chr16-89284273-TTTC-T. GRCh37 (hg19) VCF-style: chr16-89350681-TTTC-T.
Other names: c.2263GAA[1], p.Glu756del (NM_001256182.2, NM_001256183.2); short protein forms E756del.
Identifiers: ClinVar variation 2853323 (VCV002853323.3), dbSNP rs2544241887, ClinGen allele CA497375279.